The following is an entry in ClinVar:

NM_000548.5(TSC2):c.4250G>A (p.Arg1417Gln)

Gene: TSC2 (TSC complex subunit 2; plus strand). Cytogenetic location: 16p13.3.
Variant type: single nucleotide variant.
Coding change: c.4250G>A on transcript NM_000548.5 (MANE Select); coding-DNA position 4250, G replaced by A.
Protein change: p.Arg1417Gln; replaces arginine 1417 with glutamine.
Molecular consequence: missense variant.
Genome position (GRCh38, 1-based): chr16:2,084,472, G>A. VCF-style: chr16-2084472-G-A. GRCh37 (hg19) VCF-style: chr16-2134473-G-A.
Other names: c.4250G>A (NM_000548.4); c.4049G>A, p.Arg1350Gln (NM_001077183.3); c.4181G>A, p.Arg1394Gln (NM_001114382.3); c.3941G>A, p.Arg1314Gln (NM_001318827.2); c.3905G>A, p.Arg1302Gln (NM_001318829.2); c.3518G>A, p.Arg1173Gln (NM_001318831.2); c.4082G>A, p.Arg1361Gln (NM_001318832.2); c.4052G>A, p.Arg1351Gln (NM_001363528.2); and 2 more; short protein forms R1417Q, R1314Q, R1351Q, R1374Q, R1394Q, R1302Q, R1361Q, R1373Q.
Identifiers: ClinVar variation 468073 (VCV000468073.15), dbSNP rs1343536158, ClinGen allele CA394300437.

ClinVar aggregate classification (germline): Conflicting classifications of pathogenicity. Review status: criteria provided, conflicting classifications (1 of 4 stars). 4 submissions from 4 submitters: Uncertain significance (3); Benign (1). Last evaluated 2026-01-29.

Conditions:
TSC2-related disorder. Also called: TSC2-Related Disorders; TSC2-related condition.
Hereditary cancer-predisposing syndrome. Also called: Tumor predisposition; Hereditary neoplastic syndrome; Neoplastic Syndromes, Hereditary; Hereditary Cancer Syndrome. Identifiers: Orphanet 140162, MedGen C0027672, MeSH D009386, MONDO:0015356.
Tuberous sclerosis syndrome (TSC). Also called: Tuberous Sclerosis Complex; Tuberous sclerosis. Identifiers: Orphanet 805, MedGen C0041341, MONDO:0001734.
Tuberous sclerosis 2 (TSC2). Identifiers: Orphanet 805, MedGen C1860707, MONDO:0013199, OMIM 613254.

Allele frequency attached by ClinVar (database versions not stated): gnomAD exomes 0.00001.
gnomAD v4.1: 10 of 1,609,002 alleles (0.00062%); highest among the groups gnomAD compares: Admixed American, 0.0017%; no homozygotes.

Submissions (4):

PreventionGenetics, part of Exact Sciences
Classification: Uncertain significance for TSC2-related condition. Last evaluated: 2026-01-29. Review status: criteria provided, single submitter. Criteria: ACMG Guidelines, 2015. Collection method: clinical testing. Allele origin: germline.
Comment: The TSC2 c.4250G>A variant is predicted to result in the amino acid substitution p.Arg1417Gln. To our knowledge, this variant has not been reported in the literature or in a large population database (gnomAD), indicating this variant is rare. At this time, the clinical significance of this variant is uncertain due to the absence of conclusive functional and genetic evidence.

Labcorp Genetics (formerly Invitae), Labcorp
Classification: Benign for Tuberous sclerosis 2. Last evaluated: 2025-12-03. Review status: criteria provided, single submitter. Criteria: Invitae Variant Classification Sherloc (09022015). Collection method: clinical testing. Allele origin: germline.

Ambry Genetics
Classification: Uncertain significance for Hereditary cancer-predisposing syndrome. Last evaluated: 2025-01-21. Review status: criteria provided, single submitter. Criteria: Ambry Variant Classification Scheme 2023. Collection method: clinical testing. Allele origin: germline.
Comment: The p.R1417Q variant (also known as c.4250G>A), located in coding exon 33 of the TSC2 gene, results from a G to A substitution at nucleotide position 4250. The arginine at codon 1417 is replaced by glutamine, an amino acid with highly similar properties. This amino acid position is not well conserved in available vertebrate species. In addition, the in silico prediction for this alteration is inconclusive. Based on the available evidence, the clinical significance of this variant remains unclear.

All of Us Research Program, National Institutes of Health
Classification: Uncertain significance for Tuberous sclerosis syndrome. Last evaluated: 2023-06-26. Review status: criteria provided, single submitter. Criteria: ACMG Guidelines, 2015. Collection method: clinical testing. Allele origin: germline. Inheritance: Autosomal dominant inheritance. Observed: 1 variant allele, 1 heterozygote.
Comment: This missense variant replaces arginine with glutamine at codon 1417 of the TSC2 protein. Computational prediction is inconclusive regarding the impact of this variant on protein structure and function (internally defined REVEL score threshold 0.5 < inconclusive < 0.7, PMID: 27666373). To our knowledge, functional studies have not been reported for this variant. This variant has not been reported in individuals affected with tuberous sclerosis complex in the literature. This variant has not been identified in the general population by the Genome Aggregation Database (gnomAD). The available evidence is insufficient to determine the role of this variant in disease conclusively. Therefore, this variant is classified as a Variant of Uncertain Significance.

This study involves interpretation of variants in research participants for the purpose of population health screening. Participant phenotype was not available at the time of variant classification. Additional details can be found in publication PMID: 35346344, PMCID: PMC8962531